The following is an entry in ClinVar:

NM_020461.4(TUBGCP6):c.2206C>T (p.Arg736Cys)

Gene: TUBGCP6 (tubulin gamma complex component 6; minus strand). Cytogenetic location: 22q13.33.
Variant type: single nucleotide variant.
Coding change: c.2206C>T on transcript NM_020461.4 (MANE Select); coding-DNA position 2206, C replaced by T.
Protein change: p.Arg736Cys; replaces arginine 736 with cysteine.
Molecular consequence: missense variant.
Genome position (GRCh38, 1-based): chr22:50,224,205, G>A on the plus strand (C>T on the coding strand, the complement: TUBGCP6 is on the minus strand). VCF-style: chr22-50224205-G-A. GRCh37 (hg19) VCF-style: chr22-50662634-G-A.
Other names: c.2206C>T (NM_020461.3); short protein forms R736C.
Identifiers: ClinVar variation 1522351 (VCV001522351.4), dbSNP rs139968102, ClinGen allele CA10308313.
Genomic context (GRCh38, chr22:50,224,205, plus strand): 5'-CCTTCCTCTCCAGCTCCTCCTCCAGGGACTTCAGCCTTCTCTCCCTGTCTCGGAGTTCAC[G>A]GGCGTAGCTGAAGTCATCATCCAGCTCCTCCTGCCTGGCCGCCTGGCGTCGCTATAAAAC-3'
Protein context (NP_065194.3, residues 726-746): EELDDDFSYA[Arg736Cys]ELRDRERRLK

ClinVar aggregate classification (germline): Uncertain significance. Review status: criteria provided, multiple submitters, no conflicts (2 of 4 stars). 3 submissions from 3 submitters: Uncertain significance (3). Last evaluated 2024-06-17.

Allele frequency attached by ClinVar (database versions not stated): ExAC 0.00001; TOPMed 0.00004; gnomAD 0.00006; ESP Exome Variant Server 0.00008.
gnomAD v4.1: 50 of 1,613,946 alleles (0.0031%); highest among the groups gnomAD compares: African/African-American, 0.008%; no homozygotes.

Submissions (3):

Blueprint Genetics
Classification: Uncertain significance. Last evaluated: 2024-06-17. Review status: criteria provided, single submitter. Criteria: ACMG Guidelines, 2015. Collection method: clinical testing. Allele origin: germline.

GeneDx
Classification: Uncertain significance. Last evaluated: 2022-11-16. Review status: criteria provided, single submitter. Criteria: GeneDx Variant Classification Process June 2021. Collection method: clinical testing. Allele origin: germline. Affected: yes.
Comment: Not observed at significant frequency in large population cohorts (gnomAD); In silico analysis supports that this missense variant has a deleterious effect on protein structure/function; Has not been previously published as pathogenic or benign to our knowledge

Labcorp Genetics (formerly Invitae), Labcorp
Classification: Uncertain significance. Last evaluated: 2022-02-28. Review status: criteria provided, single submitter. Criteria: Invitae Variant Classification Sherloc (09022015). Collection method: clinical testing. Allele origin: germline.
Comment: This sequence change replaces arginine, which is basic and polar, with cysteine, which is neutral and slightly polar, at codon 736 of the TUBGCP6 protein (p.Arg736Cys). This variant is present in population databases (rs139968102, gnomAD 0.01%). This variant has not been reported in the literature in individuals affected with TUBGCP6-related conditions. Algorithms developed to predict the effect of missense changes on protein structure and function are either unavailable or do not agree on the potential impact of this missense change (SIFT: "Deleterious"; PolyPhen-2: "Benign"; Align-GVGD: "Class C0"). In summary, the available evidence is currently insufficient to determine the role of this variant in disease. Therefore, it has been classified as a Variant of Uncertain Significance.